The following is an entry in ClinVar:

ClinVar aggregate classification (germline): Likely benign (0 of 4 stars; one submission).

Conditions:
COL9A2-related disorder. Also called: COL9A2-related condition.

Submission:

PreventionGenetics, part of Exact Sciences
Classification: Likely benign for COL9A2-related condition. Last evaluated: 2019-06-06. Review status: no assertion criteria provided. Collection method: clinical testing. Allele origin: germline.
Comment: This variant is classified as likely benign based on ACMG/AMP sequence variant interpretation guidelines (Richards et al. 2015 PMID: 25741868, with internal and published modifications).

NM_001852.4(COL9A2):c.1272C>T (p.Gly424=)

Gene: COL9A2 (collagen type IX alpha 2 chain; minus strand). Cytogenetic location: 1p34.2.
Variant type: single nucleotide variant.
Coding change: c.1272C>T on transcript NM_001852.4 (MANE Select); coding-DNA position 1272, C replaced by T.
Protein change: p.Gly424=; no amino-acid change (glycine 424 retained).
Molecular consequence: synonymous variant.
Genome position (GRCh38, 1-based): chr1:40,304,335, G>A on the plus strand (C>T on the coding strand, the complement: COL9A2 is on the minus strand). VCF-style: chr1-40304335-G-A. GRCh37 (hg19) VCF-style: chr1-40770007-G-A.
Identifiers: ClinVar variation 3044591 (VCV003044591.2), dbSNP rs777698591, ClinGen allele CA339880994.